The following is an entry in ClinVar:

ClinVar aggregate classification (germline): Conflicting classifications of pathogenicity. Review status: criteria provided, conflicting classifications (1 of 4 stars). 7 submissions from 7 submitters: Uncertain significance (5); Likely benign (2). Last evaluated 2025-12-08.

Conditions:
Thrombocytopenia. Identifiers: MedGen C0040034, MeSH D013921, MONDO:0002049, HP:0001873.
Inborn genetic diseases. Identifiers: MedGen C0950123, MeSH D030342.

Allele frequency attached by ClinVar (database versions not stated): gnomAD exomes 0.00011 and 0.00016; gnomAD 0.00013; TOPMed 0.00013; ExAC 0.00014; ESP Exome Variant Server 0.00038.
gnomAD v4.1: 184 of 1,613,308 alleles (0.011%); highest among the groups gnomAD compares: Non-Finnish European, 0.0084%; no homozygotes.

Submissions (7):

Labcorp Genetics (formerly Invitae), Labcorp
Classification: Likely benign. Last evaluated: 2025-12-08. Review status: criteria provided, single submitter. Criteria: Invitae Variant Classification Sherloc (09022015). Collection method: clinical testing. Allele origin: germline.

Mayo Clinic Laboratories, Mayo Clinic
Classification: Uncertain significance. Last evaluated: 2025-03-12. Review status: criteria provided, single submitter. Criteria: ACMG Guidelines, 2015. Collection method: clinical testing. Allele origin: germline. Observed: 1 variant allele.

Blueprint Genetics
Classification: Uncertain significance. Last evaluated: 2024-09-02. Review status: criteria provided, single submitter. Criteria: ACMG Guidelines, 2015. Collection method: clinical testing. Allele origin: germline.

CeGaT Center for Human Genetics Tuebingen
Classification: Uncertain significance. Last evaluated: 2024-07-01. Review status: criteria provided, single submitter. Criteria: CeGaT Center For Human Genetics Tuebingen Variant Classification Criteria Version 2. Collection method: clinical testing. Allele origin: germline. Affected: yes. Observed: 1 variant allele.
Comment: GP9: PM5

Ambry Genetics
Classification: Uncertain significance for Inborn genetic diseases. Last evaluated: 2022-11-07. Review status: criteria provided, single submitter. Criteria: Ambry Variant Classification Scheme 2023. Collection method: clinical testing. Allele origin: germline.

Genetics and Molecular Pathology, SA Pathology
Classification: Uncertain significance for Thrombocytopenia. Last evaluated: 2022-05-24. Review status: criteria provided, single submitter. Criteria: ACMG Guidelines, 2015. Collection method: clinical testing. Allele origin: germline. Inheritance: Autosomal recessive inheritance. Affected: yes.

Breakthrough Genomics
Classification: Likely benign. Review status: criteria provided, single submitter. Criteria: ACMG Guidelines, 2015. Collection method: not provided. Allele origin: germline. Inheritance: Autosomal recessive inheritance. Affected: yes.

NM_000174.5(GP9):c.290G>A (p.Arg97His)

Gene: GP9 (glycoprotein IX platelet; plus strand). Cytogenetic location: 3q21.3.
Variant type: single nucleotide variant.
Coding change: c.290G>A on transcript NM_000174.5 (MANE Select); coding-DNA position 290, G replaced by A.
Protein change: p.Arg97His; replaces arginine 97 with histidine.
Molecular consequence: missense variant.
Genome position (GRCh38, 1-based): chr3:129,062,029, G>A. VCF-style: chr3-129062029-G-A. GRCh37 (hg19) VCF-style: chr3-128780872-G-A.
Other names: p.Arg97His; c.290G>A (NM_000174.3, NM_000174.4); short protein forms R97H.
Identifiers: ClinVar variation 1077263 (VCV001077263.30), dbSNP rs146025958, ClinGen allele CA2602676.